The following is an entry in ClinVar:

NM_000069.3(CACNA1S):c.259-6C>G

Gene: CACNA1S (calcium voltage-gated channel subunit alpha1 S; minus strand). Cytogenetic location: 1q32.1.
Variant type: single nucleotide variant.
Coding change: c.259-6C>G on transcript NM_000069.3 (MANE Select); 6 bases into the intron before coding-DNA position 259, C replaced by G.
Molecular consequence: intron variant.
Genome position (GRCh38, 1-based): chr1:201,094,027, G>C on the plus strand (C>G on the coding strand, the complement: CACNA1S is on the minus strand). VCF-style: chr1-201094027-G-C. GRCh37 (hg19) VCF-style: chr1-201063155-G-C.
Identifiers: ClinVar variation 3070230 (VCV003070230.3), dbSNP rs971443009, ClinGen allele CA35998556.
Genomic context (GRCh38, chr1:201,094,027, plus strand): 5'-TCTTCATGGCGGCTTCAATCGAGAAGACAATGAGGAAGAAATACTCCAGCTTCTCCTGTG[G>C]GAGCAAACGTGGTCACAGCATGCCTCTGTGCTCTCTGAGTGCACCCTTGCTCTCTTCCCT-3'

ClinVar aggregate classification (germline): Likely benign. Review status: criteria provided, multiple submitters, no conflicts (2 of 4 stars). 2 submissions from 2 submitters: Likely benign (2). Last evaluated 2024-09-23.

Conditions:
Malignant hyperthermia, susceptibility to, 5 (MHS5). Also called: CACNA1S-Related Malignant Hyperthermia Susceptibility. Identifiers: Orphanet 423, MedGen C1866077, MONDO:0011163, OMIM 601887.

Allele frequency attached by ClinVar (database versions not stated): gnomAD exomes below 0.00001; gnomAD 0.00001.
gnomAD v4.1: 8 of 1,613,956 alleles (0.0005%); highest among the groups gnomAD compares: Non-Finnish European, 0.00068%; no homozygotes.

Submissions (2):

All of Us Research Program, National Institutes of Health
Classification: Likely benign for Malignant hyperthermia, susceptibility to, 5. Last evaluated: 2024-09-23. Review status: criteria provided, single submitter. Criteria: ACMG Guidelines, 2015. Collection method: clinical testing. Allele origin: germline. Inheritance: Autosomal dominant inheritance. Observed: 7 variant alleles, 7 heterozygotes.
Comment: This study involves interpretation of variants in research participants for the purpose of population health screening. Participant phenotype was not available at the time of variant classification. Additional details can be found in publication PMID: 35346344, PMCID: PMC8962531

Color Diagnostics, LLC DBA Color Health
Classification: Likely benign for Malignant hyperthermia, susceptibility to, 5. Last evaluated: 2024-04-03. Review status: criteria provided, single submitter. Criteria: ACMG Guidelines, 2015. Collection method: clinical testing. Allele origin: germline.